The following is an entry in ClinVar:

ClinVar aggregate classification (germline): Benign/Likely benign. Review status: criteria provided, multiple submitters, no conflicts (2 of 4 stars). 2 submissions from 2 submitters: Benign (1); Likely benign (1). Last evaluated 2025-05-14.

Submissions (2):

Labcorp Genetics (formerly Invitae), Labcorp
Classification: Benign. Last evaluated: 2025-05-14. Review status: criteria provided, single submitter. Criteria: Invitae Variant Classification Sherloc (09022015). Collection method: clinical testing. Allele origin: germline.

CeGaT Center for Human Genetics Tuebingen
Classification: Likely benign. Last evaluated: 2025-04-01. Review status: criteria provided, single submitter. Criteria: CeGaT Center For Human Genetics Tuebingen Variant Classification Criteria Version 2. Collection method: clinical testing. Allele origin: germline. Affected: yes. Observed: 1 variant allele.
Comment: KMT2B: BP4, BP7

NM_014727.3(KMT2B):c.4803C>T (p.Ile1601=)

Gene: KMT2B (lysine methyltransferase 2B; plus strand). Cytogenetic location: 19q13.12.
Variant type: single nucleotide variant.
Coding change: c.4803C>T on transcript NM_014727.3 (MANE Select); coding-DNA position 4803, C replaced by T.
Protein change: p.Ile1601=; no amino-acid change (isoleucine 1601 retained).
Molecular consequence: synonymous variant.
Genome position (GRCh38, 1-based): chr19:35,729,182, C>T. VCF-style: chr19-35729182-C-T. GRCh37 (hg19) VCF-style: chr19-36220083-C-T.
Identifiers: ClinVar variation 3711902 (VCV003711902.12).
Genomic context (GRCh38, chr19:35,729,182, plus strand): 5'-GGCCTCCCCACATCATGCCACTCCTCTTCTGCCCCAGGAGGCGGGGCGGCTCTTGTACAT[C>T]GGGCAGAACGAGTGGACACACGTCAACTGTGCCATCTGGTCGGCGGAAGTCTTCGAGGAG-3'
Protein context (NP_055542.1, residues 1591-1611): DSKEAGRLLY[Ile1601=]GQNEWTHVNC